The following is an entry in ClinVar:

ClinVar aggregate classification (germline): Benign/Likely benign. Review status: criteria provided, multiple submitters, no conflicts (2 of 4 stars). 3 submissions from 3 submitters: Benign (1); Likely benign (2). Last evaluated 2025-07-09.

Conditions:
Hereditary cancer-predisposing syndrome. Also called: Tumor predisposition; Hereditary neoplastic syndrome; Hereditary Cancer Syndrome; Neoplastic Syndromes, Hereditary. Identifiers: Orphanet 140162, MedGen C0027672, MeSH D009386, MONDO:0015356.
Familial adenomatous polyposis 1 (FAP1). Also called: POLYPOSIS, ADENOMATOUS INTESTINAL; FAMILIAL ADENOMATOUS POLYPOSIS 1, ATTENUATED. Identifiers: MedGen C2713442, MONDO:0021056, OMIM 175100. Disease mechanism: loss of function.

Allele frequency attached by ClinVar (database versions not stated): gnomAD 0.00002; TOPMed 0.00002.
gnomAD v4.1: 3 of 1,613,856 alleles (0.00019%); highest among the groups gnomAD compares: African/African-American, 0.004%; no homozygotes.

Submissions (3):

Labcorp Genetics (formerly Invitae), Labcorp
Classification: Likely benign for Familial adenomatous polyposis 1. Last evaluated: 2025-07-09. Review status: criteria provided, single submitter. Criteria: Invitae Variant Classification Sherloc (09022015). Collection method: clinical testing. Allele origin: germline.

Myriad Genetics, Inc.
Classification: Benign for Familial adenomatous polyposis 1. Last evaluated: 2024-04-15. Review status: criteria provided, single submitter. Criteria: Myriad Autosomal Dominant, Autosomal Recessive and X-Linked Classification Criteria (2023). Collection method: clinical testing. Allele origin: unknown.
Comment: This variant is considered benign. This variant is a silent/synonymous amino acid change and it is not expected to impact splicing.

Ambry Genetics
Classification: Likely benign for Hereditary cancer-predisposing syndrome. Last evaluated: 2019-10-29. Review status: criteria provided, single submitter. Criteria: Ambry Variant Classification Scheme 2023. Collection method: clinical testing. Allele origin: germline.

NM_000038.6(APC):c.8283A>G (p.Pro2761=)

Gene: APC (APC regulator of Wnt signaling pathway; plus strand). Cytogenetic location: 5q22.2.
Variant type: single nucleotide variant.
Coding change: c.8283A>G on transcript NM_000038.6 (MANE Select); coding-DNA position 8283, A replaced by G.
Protein change: p.Pro2761=; no amino-acid change (proline 2761 retained).
Molecular consequence: synonymous variant.
Genome position (GRCh38, 1-based): chr5:112,843,877, A>G. VCF-style: chr5-112843877-A-G. GRCh37 (hg19) VCF-style: chr5-112179574-A-G.
Other names: c.8283A>G, p.Pro2761= (NM_001127510.3, NM_001354895.2); c.8229A>G, p.Pro2743= (NM_001127511.3); c.8337A>G, p.Pro2779= (NM_001354896.2); c.8313A>G, p.Pro2771= (NM_001354897.2); c.8208A>G, p.Pro2736= (NM_001354898.2); c.8199A>G, p.Pro2733= (NM_001354899.2); c.8160A>G, p.Pro2720= (NM_001354900.2); c.8106A>G, p.Pro2702= (NM_001354901.2); and 5 more.
Identifiers: ClinVar variation 1096715 (VCV001096715.13), dbSNP rs1393043478, ClinGen allele CA446211416.